The following is an entry in ClinVar:

NM_000492.4(CFTR):c.606G>A (p.Trp202Ter)

Gene: CFTR (CF transmembrane conductance regulator; plus strand). Cytogenetic location: 7q31.2.
Variant type: single nucleotide variant.
Coding change: c.606G>A on transcript NM_000492.4 (MANE Select); coding-DNA position 606, G replaced by A.
Protein change: p.Trp202Ter; replaces tryptophan 202 with a stop codon.
Molecular consequence: nonsense.
Genome position (GRCh38, 1-based): chr7:117,535,274, G>A. VCF-style: chr7-117535274-G-A. GRCh37 (hg19) VCF-style: chr7-117175328-G-A.
Other names: short protein forms W202*.
Identifiers: ClinVar variation 54024 (VCV000054024.6), dbSNP rs397508768, ClinGen allele CA327597.

ClinVar aggregate classification (germline): Pathogenic. Review status: criteria provided, multiple submitters, no conflicts (2 of 4 stars). 4 submissions from 4 submitters: Pathogenic (3). 1 of the submissions does not count toward it. Last evaluated 2024-03-25.

Conditions:
CFTR-related disorder (CFTR-RD). Also called: CFTR-related disorders; CFTR-related condition. Identifiers: MedGen C5924204, MONDO:7770004.
Cystic fibrosis (CF). Also called: MUCOVISCIDOSIS. Identifiers: Orphanet 586, MedGen C0010674, MONDO:0009061, OMIM 219700. Disease mechanism: loss of function.

Submissions (4):

Natera, Inc.
Classification: Pathogenic for CFTR-related disorders. Last evaluated: 2024-03-25. Review status: criteria provided, single submitter. Criteria: Natera Variant Classification Schema (03/2026). Collection method: clinical testing. Allele origin: germline.
Comment: The c.606G>A variant in CFTR is a nonsense variant predicted to introduce a stop codon at amino acid 202. This variant is expected to result in nonsense mediated decay, truncation, or a dysfunctional protein product. This variant is rare in the general population with a frequency below the threshold expected for the associated phenotype(s). This variant has been observed in one or more individuals affected with the associated recessive disease, as either homozygous or compound heterozygous with a second variant (PMID: 15744829). Given the available evidence, this variant is classified as Pathogenic.

Labcorp Genetics (formerly Invitae), Labcorp
Classification: Pathogenic for Cystic fibrosis. Last evaluated: 2024-03-16. Review status: criteria provided, single submitter. Criteria: Invitae Variant Classification Sherloc (09022015). Collection method: clinical testing. Allele origin: germline.
Comment: This sequence change creates a premature translational stop signal (p.Trp202*) in the CFTR gene. It is expected to result in an absent or disrupted protein product. Loss-of-function variants in CFTR are known to be pathogenic (PMID: 1695717, 7691345, 9725922). This variant is not present in population databases (gnomAD no frequency). This premature translational stop signal has been observed in individual(s) with clinical features of cystic fibrosis (PMID: 17331079). ClinVar contains an entry for this variant (Variation ID: 54024). For these reasons, this variant has been classified as Pathogenic.

Ambry Genetics
Classification: Pathogenic for Cystic fibrosis. Last evaluated: 2022-06-17. Review status: criteria provided, single submitter. Criteria: Ambry Variant Classification Scheme 2023. Collection method: clinical testing. Allele origin: germline.
Comment: The p.W202* pathogenic mutation (also known as c.606G>A or c.738G>A), located in coding exon 6 of the CFTR gene, results from a G to A substitution at nucleotide position 606. This changes the amino acid from a tryptophan to a stop codon within coding exon 6. This alteration was detected in the homozygous state in an individual with a CFTR-related disorder (Schrijver I et al. Am J Med Genet A, 2005 Feb;133A:103-5). This variant is considered to be rare based on population cohorts in the Genome Aggregation Database (gnomAD). In addition to the clinical data presented in the literature, this alteration is expected to result in loss of function by premature protein truncation or nonsense-mediated mRNA decay. As such, this alteration is interpreted as a disease-causing mutation.

ClinVar Staff, National Center for Biotechnology Information (NCBI)
No classification provided. Condition: CFTR-related disorders. Review status: no classification provided. Collection method: literature only. Allele origin: germline. Affected: yes. Not counted in ClinVar's aggregate classification.

Literature cited by the submitters: PubMed 15744829 (cited by Natera, Inc. and Ambry Genetics); PubMed 1695717 (cited by Labcorp Genetics (formerly Invitae), Labcorp); PubMed 7691345 (cited by Labcorp Genetics (formerly Invitae), Labcorp); PubMed 9725922 (cited by Labcorp Genetics (formerly Invitae), Labcorp); PubMed 17331079 (cited by Labcorp Genetics (formerly Invitae), Labcorp); PubMed 19845690 (cited by ClinVar Staff, National Center for Biotechnology Information (NCBI)).